The following is an entry in ClinVar:

NM_001999.4(FBN2):c.5565C>A (p.Ser1855Arg)

Gene: FBN2 (fibrillin 2; minus strand). Cytogenetic location: 5q23.3.
Variant type: single nucleotide variant.
Coding change: c.5565C>A on transcript NM_001999.4 (MANE Select); coding-DNA position 5565, C replaced by A.
Protein change: p.Ser1855Arg; replaces serine 1855 with arginine.
Molecular consequence: missense variant.
Genome position (GRCh38, 1-based): chr5:128,305,620, G>T on the plus strand (C>A on the coding strand, the complement: FBN2 is on the minus strand). VCF-style: chr5-128305620-G-T. GRCh37 (hg19) VCF-style: chr5-127641312-G-T.
Other names: short protein forms S1855R.
Identifiers: ClinVar variation 3664198 (VCV003664198.2).
Genomic context (GRCh38, chr5:128,305,620, plus strand): 5'-GCGGTAACTACCAGGACTATTGATGCAGTCTGCATTCCGCTGGCAGAGATTATCACCATT[G>T]CTGCACTCATCTATATCTGAAAGAGCAACAATTCCATTTTAAAGAGTCCTTTTTAGTATT-3'
Protein context (NP_001990.2, residues 1845-1865): LLVCEDIDEC[Ser1855Arg]NGDNLCQRNA

ClinVar aggregate classification (germline): Uncertain significance (1 of 4 stars; one submission).

Conditions:
Congenital contractural arachnodactyly (CCA). Also called: BEALS SYNDROME; Arthrogryposis, distal, type 9; Beals-Hecht syndrome. Identifiers: Orphanet 115, MedGen C0220668, MONDO:0007363, OMIM 121050.

Submission:

Labcorp Genetics (formerly Invitae), Labcorp
Classification: Uncertain significance for Congenital contractural arachnodactyly. Last evaluated: 2024-09-01. Review status: criteria provided, single submitter. Criteria: Invitae Variant Classification Sherloc (09022015). Collection method: clinical testing. Allele origin: germline.
Comment: This sequence change replaces serine, which is neutral and polar, with arginine, which is basic and polar, at codon 1855 of the FBN2 protein (p.Ser1855Arg). This variant is not present in population databases (gnomAD no frequency). This variant has not been reported in the literature in individuals affected with FBN2-related conditions. Invitae Evidence Modeling of protein sequence and biophysical properties (such as structural, functional, and spatial information, amino acid conservation, physicochemical variation, residue mobility, and thermodynamic stability) indicates that this missense variant is not expected to disrupt FBN2 protein function with a negative predictive value of 80%. In summary, the available evidence is currently insufficient to determine the role of this variant in disease. Therefore, it has been classified as a Variant of Uncertain Significance.